The following is an entry in ClinVar:

NM_001347721.2(DYRK1A):c.151C>T (p.Gln51Ter)

Gene: DYRK1A (dual specificity tyrosine phosphorylation regulated kinase 1A; plus strand). Cytogenetic location: 21q22.13.
Variant type: single nucleotide variant.
Coding change: c.151C>T on transcript NM_001347721.2 (MANE Select); coding-DNA position 151, C replaced by T.
Protein change: p.Gln51Ter; replaces glutamine 51 with a stop codon.
Molecular consequence: nonsense.
Genome position (GRCh38, 1-based): chr21:37,472,824, C>T. VCF-style: chr21-37472824-C-T. GRCh37 (hg19) VCF-style: chr21-38845126-C-T.
Other names: c.151C>T, p.Gln51Ter (NM_001347722.2, NM_001396.5, NM_101395.2 and 2 more transcripts); c.64C>T, p.Gln22Ter (NM_001347723.2); short protein forms Q51*, Q22*.
Identifiers: ClinVar variation 620262 (VCV000620262.1), dbSNP rs1555977077, ClinGen allele CA409942608.

ClinVar aggregate classification (germline): Pathogenic (1 of 4 stars; one submission).

Submission:

GeneDx
Classification: Pathogenic. Last evaluated: 2018-07-09. Review status: criteria provided, single submitter. Criteria: GeneDx Variant Classification (06012015). Collection method: clinical testing. Allele origin: germline. Affected: yes.
Comment: The Q51X variant in the DYRK1A gene has not been reported previously as a pathogenic variant nor as a benign variant, to our knowledge. This variant is predicted to cause loss of normal protein function either through protein truncation or nonsense-mediated mRNA decay. The Q51X variant is not observed in large population cohorts (Lek et al., 2016). We interpret Q51X as a pathogenic variant.